The following is an entry in ClinVar:

ClinVar aggregate classification (germline): Uncertain significance (1 of 4 stars; one submission).

Submission:

Labcorp Genetics (formerly Invitae), Labcorp
Classification: Uncertain significance. Last evaluated: 2025-08-20. Review status: criteria provided, single submitter. Criteria: Invitae Variant Classification Sherloc (09022015). Collection method: clinical testing. Allele origin: germline.
Comment: This variant, c.132_134del, results in the deletion of 1 amino acid(s) of the MYLK3 protein (p.Glu44del), but otherwise preserves the integrity of the reading frame. This variant is present in population databases (rs772963335, gnomAD 0.02%). This variant has been observed in individual(s) with MYLK3-related conditions (internal data). Experimental studies and prediction algorithms are not available or were not evaluated, and the functional significance of this variant is currently unknown. In summary, the available evidence is currently insufficient to determine the role of this variant in disease. Therefore, it has been classified as a Variant of Uncertain Significance.

NM_182493.3(MYLK3):c.129AGA[1] (p.Glu44del)

Gene: MYLK3 (myosin light chain kinase 3; minus strand). Cytogenetic location: 16q11.2.
Variant type: Microsatellite.
Coding change: c.129AGA[1] on transcript NM_182493.3 (MANE Select); one copy of the 3-base unit AGA starting at c.129; the reference has two copies in a row; one copy, 3 bases deleted.
Protein change: p.Glu44del; deletes glutamic acid 44.
Molecular consequence: inframe deletion. On other transcripts: intron variant (1).
Genome position (GRCh38, 1-based): chr16:46,748,060-46,748,062, TCT deleted on the plus strand (AGA on the coding strand, the reverse complement: MYLK3 is on the minus strand); deleting any 3 consecutive bases within chr16:46,748,060-46,748,066 gives the same sequence; the position shown is the placement nearest the transcript's 3' end. VCF-style (leftmost placement, unchanged base first): chr16-46748059-ATCT-A. GRCh37 (hg19) VCF-style: chr16-46781971-ATCT-A.
Other names: c.-113-7915_-113-7913del (NM_001308301.1); short protein forms E44del.
Identifiers: ClinVar variation 2185890 (VCV002185890.4), dbSNP rs772963335, ClinGen allele CA8038315.